The following is an entry in ClinVar:

ClinVar aggregate classification (germline): Likely benign (1 of 4 stars; one submission).

Allele frequency attached by ClinVar (database versions not stated): gnomAD 0.00001; gnomAD exomes 0.00001.
gnomAD v4.1: 8 of 1,612,402 alleles (0.0005%); highest among the groups gnomAD compares: Non-Finnish European, 0.00068%; no homozygotes.

Submission:

CeGaT Center for Human Genetics Tuebingen
Classification: Likely benign. Last evaluated: 2022-11-01. Review status: criteria provided, single submitter. Criteria: CeGaT Center For Human Genetics Tuebingen Variant Classification Criteria Version 2. Collection method: clinical testing. Allele origin: germline. Affected: yes. Observed: 1 variant allele.
Comment: BLTP2: BP4, BP7

NM_014680.5(BLTP2):c.3579C>G (p.Ala1193=)

Gene: BLTP2 (bridge-like lipid transfer protein family member 2; minus strand). Cytogenetic location: 17q11.2.
Variant type: single nucleotide variant.
Coding change: c.3579C>G on transcript NM_014680.5 (MANE Select); coding-DNA position 3579, C replaced by G.
Protein change: p.Ala1193=; no amino-acid change (alanine 1193 retained).
Molecular consequence: synonymous variant.
Genome position (GRCh38, 1-based): chr17:28,633,288, G>C on the plus strand (C>G on the coding strand, the complement: BLTP2 is on the minus strand). VCF-style: chr17-28633288-G-C. GRCh37 (hg19) VCF-style: chr17-26960306-G-C.
Other names: c.3579C>G, p.Ala1193= (NM_001321560.2); c.3150C>G, p.Ala1050= (NM_001363826.1); c.2574C>G, p.Ala858= (NM_001363827.1); c.1554C>G, p.Ala518= (NM_001363828.1, NM_001363829.1).
Identifiers: ClinVar variation 2647594 (VCV002647594.24), dbSNP rs957522326, ClinGen allele CA289122825.